The following is an entry in ClinVar:

NM_019066.5(MAGEL2):c.3157G>A (p.Glu1053Lys)

Gene: MAGEL2 (MAGE family member L2; minus strand). Cytogenetic location: 15q11.2.
Variant type: single nucleotide variant.
Coding change: c.3157G>A on transcript NM_019066.5 (MANE Select); coding-DNA position 3157, G replaced by A.
Protein change: p.Glu1053Lys; replaces glutamic acid 1053 with lysine.
Molecular consequence: missense variant.
Genome position (GRCh38, 1-based): chr15:23,644,586, C>T on the plus strand (G>A on the coding strand, the complement: MAGEL2 is on the minus strand). VCF-style: chr15-23644586-C-T. GRCh37 (hg19) VCF-style: chr15-23889733-C-T.
Other names: short protein forms E1053K.
Identifiers: ClinVar variation 3684475 (VCV003684475.2).

ClinVar aggregate classification (germline): Uncertain significance (1 of 4 stars; one submission).

Submission:

Labcorp Genetics (formerly Invitae), Labcorp
Classification: Uncertain significance. Last evaluated: 2024-05-14. Review status: criteria provided, single submitter. Criteria: Invitae Variant Classification Sherloc (09022015). Collection method: clinical testing. Allele origin: germline.
Comment: This sequence change replaces glutamic acid, which is acidic and polar, with lysine, which is basic and polar, at codon 1053 of the MAGEL2 protein (p.Glu1053Lys). This variant is present in population databases (no rsID available, gnomAD 0.007%). This variant has not been reported in the literature in individuals affected with MAGEL2-related conditions. Advanced modeling of protein sequence and biophysical properties (such as structural, functional, and spatial information, amino acid conservation, physicochemical variation, residue mobility, and thermodynamic stability) performed at Invitae indicates that this missense variant is not expected to disrupt MAGEL2 protein function with a negative predictive value of 80%. In summary, the available evidence is currently insufficient to determine the role of this variant in disease. Therefore, it has been classified as a Variant of Uncertain Significance.